The following is an entry in ClinVar:

NM_000047.3(ARSL):c.994C>T (p.Arg332Trp)

Gene: ARSL (arylsulfatase L; minus strand). Cytogenetic location: Xp22.33.
Variant type: single nucleotide variant.
Coding change: c.994C>T on transcript NM_000047.3 (MANE Select); coding-DNA position 994, C replaced by T.
Protein change: p.Arg332Trp; replaces arginine 332 with tryptophan.
Molecular consequence: missense variant.
Genome position (GRCh38, 1-based): chrX:2,943,197, G>A on the plus strand (C>T on the coding strand, the complement: ARSL is on the minus strand). VCF-style: chrX-2943197-G-A. GRCh37 (hg19) VCF-style: chrX-2861238-G-A.
Other names: c.1069C>T, p.Arg357Trp (NM_001282628.2, NM_001369080.1); c.832C>T, p.Arg278Trp (NM_001282631.2); c.1021C>T, p.Arg341Trp (NM_001369079.1); short protein forms R332W, R278W, R341W, R357W.
Identifiers: ClinVar variation 429485 (VCV000429485.7), dbSNP rs139875495, ClinGen allele CA10338098.

ClinVar aggregate classification (germline): Conflicting classifications of pathogenicity. Review status: criteria provided, conflicting classifications (1 of 4 stars). 3 submissions from 3 submitters: Uncertain significance (2); Likely benign (1). Last evaluated 2023-12-12.

Conditions:
Inborn genetic diseases. Identifiers: MedGen C0950123, MeSH D030342.
Chondrodysplasia punctata, brachytelephalangic, autosomal. Also called: BRACHYTELEPHALANGIC CHONDRODYSPLASIA PUNCTATA. Identifiers: MedGen C1844853, MONDO:0011238, OMIM 602497.

Allele frequency attached by ClinVar (database versions not stated): ExAC 0.00002; gnomAD exomes 0.00004; TOPMed 0.00005.
gnomAD v4.1: 41 of 1,210,355 alleles (0.0034%); highest among the groups gnomAD compares: Admixed American, 0.0065%; no homozygotes.

Submissions (3):

Ambry Genetics
Classification: Likely benign for Inborn genetic diseases. Last evaluated: 2023-12-12. Review status: criteria provided, single submitter. Criteria: Ambry Variant Classification Scheme 2023. Collection method: clinical testing. Allele origin: germline.

Labcorp Genetics (formerly Invitae), Labcorp
Classification: Uncertain significance for Chondrodysplasia punctata, brachytelephalangic, autosomal. Last evaluated: 2021-09-17. Review status: criteria provided, single submitter. Criteria: Invitae Variant Classification Sherloc (09022015). Collection method: clinical testing. Allele origin: germline.
Comment: This sequence change replaces arginine with tryptophan at codon 332 of the ARSE protein (p.Arg332Trp). The arginine residue is weakly conserved and there is a moderate physicochemical difference between arginine and tryptophan. This variant is present in population databases (rs139875495, ExAC 0.01%). This variant has not been reported in the literature in individuals affected with ARSE-related conditions. ClinVar contains an entry for this variant (Variation ID: 429485). Algorithms developed to predict the effect of missense changes on protein structure and function are either unavailable or do not agree on the potential impact of this missense change (SIFT: "Deleterious"; PolyPhen-2: "Possibly Damaging"; Align-GVGD: "Class C15"). In summary, the available evidence is currently insufficient to determine the role of this variant in disease. Therefore, it has been classified as a Variant of Uncertain Significance.

GeneDx
Classification: Uncertain significance. Last evaluated: 2018-11-01. Review status: criteria provided, single submitter. Criteria: GeneDx Variant Classification (06012015). Collection method: clinical testing. Allele origin: germline. Affected: yes.
Comment: The R332W variant in the ARSE gene has not been reported previously as a pathogenic variant, nor as a benign variant, to our knowledge. The R332W variant is not observed at a significant frequency in large population cohorts (Lek et al., 2016; 1000 Genomes Consortium et al., 2015; Exome Variant Server). The R332W variant is a non-conservative amino acid substitution, which is likely to impact secondary protein structure as these residues differ in polarity, charge, size and/or other properties. This substitution occurs at a position that is not conserved across species. In silico analysis is inconsistent in its predictions as to whether or not the variant is damaging to the protein structure/function. We interpret R332W as a variant of uncertain significance.